The following is an entry in ClinVar:

ClinVar aggregate classification (germline): Uncertain significance (1 of 4 stars; one submission).

Conditions:
Primary ciliary dyskinesia. Also called: Ciliary dyskinesia. Identifiers: Orphanet 244, MedGen C0008780, MONDO:0016575, HP:0012265.

Allele frequency attached by ClinVar (database versions not stated): gnomAD 0.00001; gnomAD exomes 0.00001.
gnomAD v4.1: 9 of 1,613,504 alleles (0.00056%); highest among the groups gnomAD compares: African/African-American, 0.0027%; no homozygotes.

Submission:

Ambry Genetics
Classification: Uncertain significance for Primary ciliary dyskinesia. Last evaluated: 2021-12-07. Review status: criteria provided, single submitter. Criteria: Ambry Variant Classification Scheme 2023. Collection method: clinical testing. Allele origin: germline.
Comment: The p.I1558F variant (also known as c.4672A>T), located in coding exon 26 of the DNAH11 gene, results from an A to T substitution at nucleotide position 4672. The isoleucine at codon 1558 is replaced by phenylalanine, an amino acid with highly similar properties. This amino acid position is conserved. In addition, this alteration is predicted to be tolerated by in silico analysis. Since supporting evidence is limited at this time, the clinical significance of this alteration remains unclear.

NM_001277115.2(DNAH11):c.4672A>T (p.Ile1558Phe)

Gene: DNAH11 (dynein axonemal heavy chain 11; plus strand). Cytogenetic location: 7p15.3.
Variant type: single nucleotide variant.
Coding change: c.4672A>T on transcript NM_001277115.2 (MANE Select); coding-DNA position 4672, A replaced by T.
Protein change: p.Ile1558Phe; replaces isoleucine 1558 with phenylalanine.
Molecular consequence: missense variant.
Genome position (GRCh38, 1-based): chr7:21,636,042, A>T. VCF-style: chr7-21636042-A-T. GRCh37 (hg19) VCF-style: chr7-21675660-A-T.
Other names: c.4687A>T, p.Ile1563Phe (NM_003777.3); short protein forms I1563F, I1558F.
Identifiers: ClinVar variation 1742334 (VCV001742334.2), dbSNP rs1786849433, ClinGen allele CA366933561.